The following is an entry in ClinVar:

NM_001009944.3(PKD1):c.580G>A (p.Ala194Thr)

Gene: PKD1 (polycystin 1, transient receptor potential channel interacting; minus strand). Cytogenetic location: 16p13.3.
Variant type: single nucleotide variant.
Coding change: c.580G>A on transcript NM_001009944.3 (MANE Select); coding-DNA position 580, G replaced by A.
Protein change: p.Ala194Thr; replaces alanine 194 with threonine.
Molecular consequence: missense variant.
Genome position (GRCh38, 1-based): chr16:2,118,412, C>T on the plus strand (G>A on the coding strand, the complement: PKD1 is on the minus strand). VCF-style: chr16-2118412-C-T. GRCh37 (hg19) VCF-style: chr16-2168413-C-T.
Other names: c.580G>A, p.Ala194Thr (NM_000296.4); short protein forms A194T.
Identifiers: ClinVar variation 995201 (VCV000995201.34), dbSNP rs769369111, ClinGen allele CA7833694.
Genomic context (GRCh38, chr16:2,118,412, plus strand): 5'-AGAAGGCGCTGCAGGCCTCTGGCTGAAGCAGGCCTTCGTGGGCAGCTGAAAAGGACACTG[C>T]TGCCACGGTGCCTGAGCTGTTGTCAGGGAGGCAGGCGACATACTCCTCACCTAGAAGAGG-3'
Protein context (NP_001009944.3, residues 184-204): LPDNSSGTVA[Ala194Thr]VSFSAAHEGL

ClinVar aggregate classification (germline): Benign/Likely benign. Review status: criteria provided, multiple submitters, no conflicts (2 of 4 stars). 10 submissions from 10 submitters: Benign (2); Likely benign (3). 5 of the submissions do not count toward it. Last evaluated 2025-09-01.

Conditions:
PKD1-related disorder. Also called: PKD1-related condition.
Polycystic kidney disease, adult type (PKD1). Also called: Polycystic Kidney, Autosomal Dominant; POLYCYSTIC KIDNEY DISEASE, ADULT, TYPE I; Polycystic Kidney Disease 1, Autosomal Dominant; Polycystic kidney disease 1; Polycystic kidney disease 1, severe; POLYCYSTIC KIDNEY DISEASE 1 WITH OR WITHOUT POLYCYSTIC LIVER DISEASE. Identifiers: MedGen C3149841, MONDO:0008263, OMIM 173900.
Polycystic kidney disease. Also called: Kidney, Polycystic; Polycystic kidney dysplasia. Identifiers: MedGen C0022680, MeSH D007690, MONDO:0020642, HP:0000113.

Allele frequency attached by ClinVar (database versions not stated): 1000 Genomes Project 30x 0.00031; ExAC 0.00062; TOPMed 0.00104; gnomAD 0.00105 and 0.00109; gnomAD exomes 0.00116 and 0.00174.

Submissions (10):

CeGaT Center for Human Genetics Tuebingen
Classification: Benign. Last evaluated: 2025-09-01. Review status: criteria provided, single submitter. Criteria: CeGaT Center For Human Genetics Tuebingen Variant Classification Criteria Version 2. Collection method: clinical testing. Allele origin: germline. Affected: yes. Observed: 4 variant alleles.
Comment: PKD1: BP4, BS1, BS2

Blueprint Genetics
Classification: Likely benign. Last evaluated: 2024-11-08. Review status: criteria provided, single submitter. Criteria: ACMG Guidelines, 2015. Collection method: clinical testing. Allele origin: germline.

Fulgent Genetics
Classification: Likely benign for Polycystic kidney disease, adult type. Last evaluated: 2021-07-09. Review status: criteria provided, single submitter. Criteria: ACMG Guidelines, 2015. Collection method: clinical testing. Allele origin: unknown.

GeneDx
Classification: Likely benign. Last evaluated: 2021-04-07. Review status: criteria provided, single submitter. Criteria: GeneDx Variant Classification Process June 2021. Collection method: clinical testing. Allele origin: germline. Affected: yes.

Athena Diagnostics
Classification: Benign. Last evaluated: 2019-09-30. Review status: criteria provided, single submitter. Criteria: Athena Diagnostics Criteria. Collection method: clinical testing. Allele origin: unknown.

PreventionGenetics, part of Exact Sciences
Classification: Likely benign for PKD1-related condition. Last evaluated: 2020-06-11. Review status: no assertion criteria provided. Collection method: clinical testing. Allele origin: germline. Not counted in ClinVar's aggregate classification.
Comment: This variant is classified as likely benign based on ACMG/AMP sequence variant interpretation guidelines (Richards et al. 2015 PMID: 25741868, with internal and published modifications).

Clinical Genetics DNA and cytogenetics Diagnostics Lab, Erasmus MC, Erasmus Medical Center
Classification: Likely benign. Review status: no assertion criteria provided. Collection method: clinical testing. Allele origin: germline. Affected: yes. Study: VKGL Data-share Consensus. Not counted in ClinVar's aggregate classification.

Department of Pathology and Laboratory Medicine, Sinai Health System
Classification: Likely benign for Polycystic Kidney disease. Review status: no assertion criteria provided. Collection method: clinical testing. Allele origin: unknown. Affected: yes. Observed: 1 variant allele. Study: The Canadian Open Genetics Repository (COGR). Not counted in ClinVar's aggregate classification.
Comment: The PKD1 p.Ala194Thr variant was not identified in the literature nor was it identified in the ClinVar or PKD1-LOVD databases. The variant was identified in dbSNP (ID: rs769369111), LOVD 3.0 (1x), and ADPKD Mutation Database (as likely neutral). The variant was identified in control databases in 185 of 159710 chromosomes at a frequency of 0.001, increasing the likelihood this could be a low frequency benign variant (Genome Aggregation Database Feb 27, 2017). The variant was observed in the following populations: European in 140 of 64822 chromosomes (freq: 0.002), African in 4 of 14698 chromosomes (freq: 0.0003), Other in 2 of 4522 chromosomes (freq: 0.0004), Latino in 15 of 24570 chromosomes (freq: 0.0006), Ashkenazi Jewish in 6 of 8192 chromosomes (freq: 0.0007), Finnish in 15 of 8726 chromosomes (freq: 0.002), and South Asian in 3 of 22636 chromosomes (freq: 0.0001), while the variant was not observed in the East Asian population. In addition, we cannot be certain that data from control databases is specific to PKD1 and not from one of the six PKD1 pseudogenes. The p.Ala194 residue is not conserved in mammals and computational analyses (PolyPhen-2, SIFT, AlignGVGD, BLOSUM, MutationTaster) do not suggest a high likelihood of impact to the protein; however, this information is not predictive enough to rule out pathogenicity. The variant occurs outside of the splicing consensus sequence and in silico or computational prediction software programs (SpliceSiteFinder, MaxEntScan, NNSPLICE, GeneSplicer) do not predict a difference in splicing. In summary, based on the above information, the clinical significance of this variant cannot be determined with certainty at this time although we would lean towards a more benign role for this variant. This variant is classified as likely benign.

Genome Diagnostics Laboratory, University Medical Center Utrecht
Classification: Likely benign. Review status: no assertion criteria provided. Collection method: clinical testing. Allele origin: germline. Affected: yes. Study: VKGL Data-share Consensus. Not counted in ClinVar's aggregate classification.

Laboratory of Diagnostic Genome Analysis, Leiden University Medical Center (LUMC)
Classification: Likely benign. Review status: no assertion criteria provided. Collection method: clinical testing. Allele origin: germline. Affected: yes. Study: VKGL Data-share Consensus. Not counted in ClinVar's aggregate classification.